The following is an entry in ClinVar:

NM_033026.6(PCLO):c.4993C>T (p.Arg1665Cys)

Gene: PCLO (piccolo presynaptic cytomatrix protein; minus strand). Cytogenetic location: 7q21.11.
Variant type: single nucleotide variant.
Coding change: c.4993C>T on transcript NM_033026.6 (MANE Select); coding-DNA position 4993, C replaced by T.
Protein change: p.Arg1665Cys; replaces arginine 1665 with cysteine.
Molecular consequence: missense variant.
Genome position (GRCh38, 1-based): chr7:82,955,960, G>A on the plus strand (C>T on the coding strand, the complement: PCLO is on the minus strand). VCF-style: chr7-82955960-G-A. GRCh37 (hg19) VCF-style: chr7-82585276-G-A.
Other names: c.4993C>T, p.Arg1665Cys (NM_014510.3); short protein forms R1665C.
Identifiers: ClinVar variation 2185184 (VCV002185184.1), dbSNP rs767603207, ClinGen allele CA4320727.

ClinVar aggregate classification (germline): Uncertain significance (1 of 4 stars; one submission).

Allele frequency attached by ClinVar (database versions not stated): ExAC 0.00001; gnomAD 0.00001; gnomAD exomes 0.00001; TOPMed 0.00001.
gnomAD v4.1: 12 of 1,613,436 alleles (0.00074%); highest among the groups gnomAD compares: East Asian, 0.013%; no homozygotes.

Submission:

Labcorp Genetics (formerly Invitae), Labcorp
Classification: Uncertain significance. Last evaluated: 2022-07-15. Review status: criteria provided, single submitter. Criteria: Invitae Variant Classification Sherloc (09022015). Collection method: clinical testing. Allele origin: germline.
Comment: This sequence change replaces arginine, which is basic and polar, with cysteine, which is neutral and slightly polar, at codon 1665 of the PCLO protein (p.Arg1665Cys). This variant is present in population databases (rs767603207, gnomAD 0.01%). This variant has not been reported in the literature in individuals affected with PCLO-related conditions. Algorithms developed to predict the effect of missense changes on protein structure and function are either unavailable or do not agree on the potential impact of this missense change (SIFT: "Deleterious"; PolyPhen-2: "Not Available"; Align-GVGD: "Class C0"). In summary, the available evidence is currently insufficient to determine the role of this variant in disease. Therefore, it has been classified as a Variant of Uncertain Significance.